The following is an entry in ClinVar:

ClinVar aggregate classification (germline): Benign/Likely benign. Review status: criteria provided, multiple submitters, no conflicts (2 of 4 stars). 3 submissions from 3 submitters: Benign (2); Likely benign (1). Last evaluated 2026-09-01.

Allele frequency attached by ClinVar (database versions not stated): 1000 Genomes Project 0.00240; 1000 Genomes Project 30x 0.00265; gnomAD exomes 0.00277 and 0.00556; ExAC 0.00279; TOPMed 0.00335; gnomAD 0.00340 and 0.00346; ESP Exome Variant Server 0.00538.
gnomAD v4.1: 8,533 of 1,613,262 alleles (0.53%); highest among the groups gnomAD compares: Non-Finnish European, 0.67%; 32 homozygotes.

Submissions (3):

CeGaT Center for Human Genetics Tuebingen
Classification: Likely benign. Last evaluated: 2026-09-01. Review status: criteria provided, single submitter. Criteria: CeGaT Center For Human Genetics Tuebingen Variant Classification Criteria Version 2. Collection method: clinical testing. Allele origin: germline. Affected: yes. Observed: 2 variant alleles.
Comment: AHNAK: BP4, BP7, BS2

Labcorp Genetics (formerly Invitae), Labcorp
Classification: Benign. Last evaluated: 2018-04-16. Review status: criteria provided, single submitter. Criteria: Invitae Variant Classification Sherloc (09022015). Collection method: clinical testing. Allele origin: germline.

Breakthrough Genomics
Classification: Benign. Review status: criteria provided, single submitter. Criteria: ACMG Guidelines, 2015. Collection method: not provided. Allele origin: germline. Inheritance: Unknown mechanism. Affected: yes.

NM_001620.3(AHNAK):c.13875C>T (p.Pro4625=)

Gene: AHNAK (AHNAK nucleoprotein; minus strand). Cytogenetic location: 11q12.3.
Variant type: single nucleotide variant.
Coding change: c.13875C>T on transcript NM_001620.3 (MANE Select); coding-DNA position 13875, C replaced by T.
Protein change: p.Pro4625=; no amino-acid change (proline 4625 retained).
Molecular consequence: synonymous variant. On other transcripts: intron variant (1).
Genome position (GRCh38, 1-based): chr11:62,520,542, G>A on the plus strand (C>T on the coding strand, the complement: AHNAK is on the minus strand). VCF-style: chr11-62520542-G-A. GRCh37 (hg19) VCF-style: chr11-62288014-G-A.
Other names: c.13875C>T, p.Pro4625= (NM_001346445.2, NM_001346446.2); c.342+14461C>T (NM_024060.4).
Identifiers: ClinVar variation 773246 (VCV000773246.12), dbSNP rs12793602, ClinGen allele CA6044335.
Genomic context (GRCh38, chr11:62,520,542, plus strand): 5'-GCCTTGAACGTCCACATCTGGGACATCAATGTCCACTTTGGGGTCCCTGATGTCAACTTC[G>A]GGGCCCTTGAGGTCGCCTTCCACTTTGGGCAGAGAAATGTCCATGTCGCCCTTCACCTTT-3'
Protein context (NP_001611.1, residues 4615-4635): LPKVEGDLKG[Pro4625=]EVDIRDPKVD